The following is an entry in ClinVar:

ClinVar aggregate classification (germline): Uncertain significance (1 of 4 stars; one submission).

Conditions:
Methylmalonic acidemia with homocystinuria, type cblJ (MAHCJ). Also called: METHYLMALONIC ACIDURIA AND HOMOCYSTINURIA, cblJ TYPE. Identifiers: Orphanet 369955, MedGen C3553915, MONDO:0013925, OMIM 614857.

Submission:

Labcorp Genetics (formerly Invitae), Labcorp
Classification: Uncertain significance for METHYLMALONIC ACIDURIA AND HOMOCYSTINURIA, cblJ TYPE. Last evaluated: 2018-09-19. Review status: criteria provided, single submitter. Criteria: Invitae Variant Classification Sherloc (09022015). Collection method: clinical testing. Allele origin: germline.
Comment: This sequence change replaces phenylalanine with serine at codon 451 of the ABCD4 protein (p.Phe451Ser). The phenylalanine residue is highly conserved and there is a large physicochemical difference between phenylalanine and serine. This variant is not present in population databases (ExAC no frequency). This variant has not been reported in the literature in individuals with ABCD4-related disease. Algorithms developed to predict the effect of missense changes on protein structure and function are either unavailable or do not agree on the potential impact of this missense change (SIFT: "Tolerated"; PolyPhen-2: "Possibly Damaging"; Align-GVGD: "Class C15"). In summary, the available evidence is currently insufficient to determine the role of this variant in disease. Therefore, it has been classified as a Variant of Uncertain Significance.

NM_005050.4(ABCD4):c.1352T>C (p.Phe451Ser)

Gene: ABCD4 (ATP binding cassette subfamily D member 4; minus strand). Cytogenetic location: 14q24.3.
Variant type: single nucleotide variant.
Coding change: c.1352T>C on transcript NM_005050.4 (MANE Select); coding-DNA position 1352, T replaced by C.
Protein change: p.Phe451Ser; replaces phenylalanine 451 with serine.
Molecular consequence: missense variant. On other transcripts: non-coding transcript variant (1).
Genome position (GRCh38, 1-based): chr14:74,290,094, A>G on the plus strand (T>C on the coding strand, the complement: ABCD4 is on the minus strand). VCF-style: chr14-74290094-A-G. GRCh37 (hg19) VCF-style: chr14-74756797-A-G.
Other names: c.1226T>C, p.Phe409Ser (NM_001353591.2, NM_001353592.2); c.1091T>C, p.Phe364Ser (NM_001353593.2); c.1040T>C, p.Phe347Ser (NM_001353594.2); c.938T>C, p.Phe313Ser (NM_001353595.2, NM_001353596.2); c.887T>C, p.Phe296Ser (NM_001353597.2); c.875T>C, p.Phe292Ser (NM_001353598.2, NM_001353599.2, NM_001353600.2 and 2 more transcripts); c.563T>C, p.Phe188Ser (NM_001353602.2, NM_001353603.2, NM_001353604.2 and 6 more transcripts); c.1352T>C, p.Phe451Ser (NM_020325.3); short protein forms F188S, F292S, F296S, F409S, F313S, F347S, F364S, F451S.
Identifiers: ClinVar variation 660320 (VCV000660320.1), dbSNP rs1594861158, ClinGen allele CA390380835.